The following is an entry in ClinVar:

GRCh37/hg19 3q28-29(chr3:191866466-197842171)x1

Genes: TNK2-AS1 (TNK2 antisense RNA 1; plus strand), ZDHHC19 (zDHHC palmitoyltransferase 19; minus strand), UBXN7 (UBX domain protein 7; minus strand), WDR53 (WD repeat domain 53; minus strand), XXYLT1 (xyloside xylosyltransferase 1; minus strand) and 45 more. Cytogenetic location: 3q28-29.
Variant type: copy number loss.
Change: copy number 1 (one copy instead of two) of chr3:191,866,466-197,842,171 (5.98 Mb, GRCh37 coordinates, 1-based), cytogenetic band 3q28-29.
Identifiers: ClinVar variation 1328450 (VCV001328450.4).

ClinVar aggregate classification (germline): Pathogenic (1 of 4 stars; one submission).

Submission:

Illumina Laboratory Services, Illumina
Classification: Pathogenic. Last evaluated: 2021-06-25. Review status: criteria provided, single submitter. Criteria: ICSL CNVClassificationCriteria Aug2020. Collection method: clinical testing. Allele origin: unknown.
Comment: This CNV is a ~6 Mb deletion of 3q28q29, on chromosome 3, (seq[GRCh37]del(3)(q28q29); chr3:g.191866466_197842171del) of unknown inheritance. This loss encompasses more than 80 genes, 50 of which are protein-coding. It contains the recurrent ~1.6 Mb region associated with 3q29 microdeletion syndrome, which has been reported in over 40 cases and has sufficient evidence for haploinsufficiency (Cox et al. 2015; Mulle et al. 2017). The 3q29 microdeletion syndrome is inherited in an autosomal dominant pattern, in most cases occurring de novo although at least eight cases have inherited a deletion from a mildly affected parent (Khan et al. 2019). The expressivity of 3q29 microdeletion syndrome is variable with common features including mild to moderate intellectual disability and language-based learning difficulties, speech delay, behavioral abnormalities consistent with autism and attention deficit disorder, and craniofacial dysmorphic features. Additional features in some individuals include chest deformities such as pectus carinatum, ocular abnormalities, joint contractures, heart defects, and gastrointestinal abnormalities (Cox et al. 2015; Glassford et al. 2016; Mulle et al. 2017). In a large-scale case-control study investigating relative prevalence of copy number variants in children with intellectual disability, developmental delay, and other neurodevelopmental phenotypes compared to controls, 3q29 deletions were observed in 11/29,085 cases versus 0/19,584 controls (p=0.0035) (Coe et al. 2014). The (seq[GRCh37]del(3)(q28q29);chr3:g.191866466_197842171del) deletion also closely overlaps with several heterozygous deletions of ~5.7 Mb reported in the DECIPHER cohort, of which at least four occurred de novo and five are reported as imbalances arising from a balanced parental rearrangement Features reported in these individuals are variable and include dysmorphic facial features, intellectual disability, delayed speech and language development, short stature, growth abnormalities, joint contractures, clinodactyly, toe syndactyly, cardiovascular defects, congenital diaphragmatic hernia, single transverse palmar crease, small nails, coarse hair, urogenital anomalies, premature closure of fontanelles, hearing loss, hypotonia, abnormality of the pituitary gland recurrent infections, macrocephaly and obesity (Firth et al. 2009). This event also fully encompasses two genes associated with autosomal dominant disorders in which loss-of-function is a mechanism of disease, OPA1 and RPL35A, which are associated with syndromic and non-syndromic optic atrophy and Diamond-Blackfan anemia respectively (Delettre-Cribaillet et al. 2015; Sieff et al. 2021). Additionally, several genes associated with autosomal recessive disorders are fully encompassed by this event including OPA1, TNK2, TFRC, PCYT1A , DYNLT2B, , RNF168, NRROS, CEP19 and RUBCN, which are associated with Behr syndrome, infantile epilepsy, immunodeficiency, spondylometaphyseal dysplasia with cone-rod dystrophy, short-rib thoracic dysplasia with or without polydactyly, RIDDLE syndrome, early-onset seizures with neurodegeneration and brain calcification, and morbid obesity and spermatogenic failure and spinocerebellar ataxia 15 respectively. Of note, the centromeric breakpoint is located within the FGF12 gene, and while variants in this gene have been reported in association with an autosomal dominant developmental and epileptic encephalopathy phenotype, loss of function is not reported as a mechanism of disease (Willemsen et al. 2020). Based on the collective evidence this CNV is classified as pathogenic.

Literature cited by the submitters: PubMed 11017080; PubMed 19181907; PubMed 19344873; PubMed 20301769; PubMed 25217958; PubMed 25714563; PubMed 26738761; PubMed 30885185; PubMed 32524056.